The following is an entry in ClinVar:

ClinVar aggregate classification (germline): Uncertain significance (1 of 4 stars; one submission).

Submission:

Labcorp Genetics (formerly Invitae), Labcorp
Classification: Uncertain significance. Last evaluated: 2025-05-04. Review status: criteria provided, single submitter. Criteria: Invitae Variant Classification Sherloc (09022015). Collection method: clinical testing. Allele origin: germline.
Comment: This sequence change replaces phenylalanine, which is neutral and non-polar, with serine, which is neutral and polar, at codon 1250 of the DUOX2 protein (p.Phe1250Ser). This variant is not present in population databases (gnomAD no frequency). This variant has not been reported in the literature in individuals affected with DUOX2-related conditions. ClinVar contains an entry for this variant (Variation ID: 3624523). Invitae Evidence Modeling of protein sequence and biophysical properties (such as structural, functional, and spatial information, amino acid conservation, physicochemical variation, residue mobility, and thermodynamic stability) indicates that this missense variant is expected to disrupt DUOX2 protein function with a positive predictive value of 80%. In summary, the available evidence is currently insufficient to determine the role of this variant in disease. Therefore, it has been classified as a Variant of Uncertain Significance.

NM_001363711.2(DUOX2):c.3749T>C (p.Phe1250Ser)

Gene: DUOX2 (dual oxidase 2; minus strand). Cytogenetic location: 15q21.1.
Variant type: single nucleotide variant.
Coding change: c.3749T>C on transcript NM_001363711.2 (MANE Select); coding-DNA position 3749, T replaced by C.
Protein change: p.Phe1250Ser; replaces phenylalanine 1250 with serine.
Molecular consequence: missense variant.
Genome position (GRCh38, 1-based): chr15:45,097,336, A>G on the plus strand (T>C on the coding strand, the complement: DUOX2 is on the minus strand). VCF-style: chr15-45097336-A-G. GRCh37 (hg19) VCF-style: chr15-45389534-A-G.
Other names: c.3749T>C, p.Phe1250Ser (NM_014080.5); short protein forms F1250S.
Identifiers: ClinVar variation 3624523 (VCV003624523.2).